The following is an entry in ClinVar:

NM_001384900.1(SEMA3D):c.1444A>G (p.Ile482Val)

Gene: SEMA3D (semaphorin 3D; minus strand). Cytogenetic location: 7q21.11.
Variant type: single nucleotide variant.
Coding change: c.1444A>G on transcript NM_001384900.1 (MANE Select); coding-DNA position 1444, A replaced by G.
Protein change: p.Ile482Val; replaces isoleucine 482 with valine.
Molecular consequence: missense variant.
Genome position (GRCh38, 1-based): chr7:85,020,292, T>C on the plus strand (A>G on the coding strand, the complement: SEMA3D is on the minus strand). VCF-style: chr7-85020292-T-C. GRCh37 (hg19) VCF-style: chr7-84649608-T-C.
Other names: c.1444A>G, p.Ile482Val (NM_001384901.1, NM_001384902.1, NM_001384903.1 and 1 more transcripts); short protein forms I482V.
Identifiers: ClinVar variation 2209458 (VCV002209458.5), dbSNP rs146193359, ClinGen allele CA162215309.
Genomic context (GRCh38, chr7:85,020,292, plus strand): 5'-CCTTGAATATCTGCAACTCCTCCAGCACTACCTCTTCCATATTCCACTTTTCCTTTGAAA[T>C]GCTGACAACTTTGAGGACAGTTCCAATGTCTGAAAAAATGCATAACCCATGATCCCATTG-3'
Protein context (NP_001371829.1, residues 472-492): DIGTVLKVVS[Ile482Val]SKEKWNMEEV

ClinVar aggregate classification (germline): Uncertain significance. Review status: criteria provided, multiple submitters, no conflicts (2 of 4 stars). 2 submissions from 2 submitters: Uncertain significance (2). Last evaluated 2025-12-18.

Conditions:
SEMA3D-related disorder. Also called: SEMA3D-related condition.

Allele frequency attached by ClinVar (database versions not stated): gnomAD exomes 0.00001; gnomAD 0.00003; TOPMed 0.00007; ESP Exome Variant Server 0.00008.
gnomAD v4.1: 14 of 1,610,084 alleles (0.00087%); highest among the groups gnomAD compares: African/African-American, 0.019%; no homozygotes.

Submissions (2):

PreventionGenetics, part of Exact Sciences
Classification: Uncertain significance for SEMA3D-related condition. Last evaluated: 2025-12-18. Review status: criteria provided, single submitter. Criteria: ACMG Guidelines, 2015. Collection method: clinical testing. Allele origin: germline.
Comment: The SEMA3D c.1444A>G variant is predicted to result in the amino acid substitution p.Ile482Val. To our knowledge, this variant has not been reported in the literature. This variant is reported in 0.016% of alleles in individuals of African descent in gnomAD. At this time, the clinical significance of this variant is uncertain due to the absence of conclusive functional and genetic evidence.

Ambry Genetics
Classification: Uncertain significance. Last evaluated: 2025-09-11. Review status: criteria provided, single submitter. Criteria: Ambry Variant Classification Scheme 2023. Collection method: clinical testing. Allele origin: germline.